The following is an entry in ClinVar:

NM_000059.4(BRCA2):c.9648G>A (p.Leu3216=)

Gene: BRCA2 (BRCA2 DNA repair associated; plus strand). Cytogenetic location: 13q13.1.
Variant type: single nucleotide variant.
Coding change: c.9648G>A on transcript NM_000059.4 (MANE Select); coding-DNA position 9648, G replaced by A.
Protein change: p.Leu3216=; no amino-acid change (leucine 3216 retained).
Molecular consequence: synonymous variant. On other transcripts: non-coding transcript variant (1).
Genome position (GRCh38, 1-based): chr13:32,397,044, G>A. VCF-style: chr13-32397044-G-A. GRCh37 (hg19) VCF-style: chr13-32971181-G-A.
Other names: c.9552G>A, p.Leu3184= (NM_001406719.1); c.9597G>A, p.Leu3199= (NM_001406720.1); c.4716G>A, p.Leu1572= (NM_001406721.1); c.3231G>A, p.Leu1077= (NM_001406722.1).
Identifiers: ClinVar variation 1767663 (VCV001767663.8), dbSNP rs1377217356, ClinGen allele CA483272058.
Genomic context (GRCh38, chr13:32,397,044, plus strand): 5'-AGACTGTACTTCAGGGCCGTACACTGCTCAAATCATTCCTGGTACAGGAAACAAGCTTCT[G>A]GTAAGTTAATGTAAACTCAAGGAATATTATAAGAAGTATATATGGAGGCCATCGTATATT-3'
Protein context (NP_000050.3, residues 3206-3226): QIIPGTGNKL[Leu3216=]MSSPNCEIYY

ClinVar aggregate classification (germline): Uncertain significance. Review status: criteria provided, multiple submitters, no conflicts (2 of 4 stars). 3 submissions from 3 submitters: Uncertain significance (3). Last evaluated 2026-09-02.

Conditions:
Hereditary breast ovarian cancer syndrome. Also called: Hereditary breast and ovarian cancer syndrome (HBOC); Breast and ovarian cancer; Hereditary breast and ovarian cancer syndrome; Hereditary breast and/or ovarian cancer syndrome; BRCA1- and BRCA2-Associated Hereditary Breast and Ovarian Cancer; Hereditary breast and ovarian cancer. Identifiers: Orphanet 145, MedGen C0677776, MeSH D061325, MONDO:0003582. Disease mechanism: loss of function.
Hereditary cancer-predisposing syndrome. Also called: Hereditary Cancer Syndrome; Hereditary neoplastic syndrome; Neoplastic Syndromes, Hereditary; Tumor predisposition. Identifiers: Orphanet 140162, MedGen C0027672, MeSH D009386, MONDO:0015356.
Breast-ovarian cancer, familial, susceptibility to, 2 (BROVCA2). Also called: BRCA2 Hereditary Breast and Ovarian Cancer. Identifiers: Orphanet 145, MedGen C2675520, MONDO:0012933, OMIM 612555. Disease mechanism: loss of function.

Submissions (3):

Ambry Genetics
Classification: Uncertain significance for Hereditary cancer-predisposing syndrome. Last evaluated: 2026-09-02. Review status: criteria provided, single submitter. Criteria: Ambry Variant Classification Scheme 2023. Collection method: clinical testing. Allele origin: germline.
Comment: The c.9648G>A variant (also known as p.L3216L), located in coding exon 25 of the BRCA2 gene, results from a G to A substitution at nucleotide position 9648. This nucleotide substitution does not change the amino acid at codon 3216. However, this change occurs in the last base pair of coding exon 25, which makes it likely to have some effect on normal mRNA splicing. This nucleotide position is highly conserved in available vertebrate species. In silico splice site analysis for this alteration is inconclusive, and direct evidence is insufficient at this time (Ambry internal data). Based on the available evidence, the clinical significance of this variant remains unclear.

Department of Clinical Genetics, Copenhagen University Hospital, Rigshospitalet
Classification: Uncertain significance for Breast-ovarian cancer, familial, susceptibility to, 2. Last evaluated: 2025-02-04. Review status: criteria provided, single submitter. Criteria: ACMG Guidelines, 2015. Collection method: clinical testing. Allele origin: germline.
Comment: The following ACMG criteria have been used in classification: PM2_SUP; PVS1_MOD (RNA)

Labcorp Genetics (formerly Invitae), Labcorp
Classification: Uncertain significance for Hereditary breast ovarian cancer syndrome. Last evaluated: 2025-01-22. Review status: criteria provided, single submitter. Criteria: Invitae Variant Classification Sherloc (09022015). Collection method: clinical testing. Allele origin: germline.
Comment: This sequence change affects codon 3216 of the BRCA2 mRNA. It is a 'silent' change, meaning that it does not change the encoded amino acid sequence of the BRCA2 protein. This variant also falls at the last nucleotide of exon 26, which is part of the consensus splice site for this exon. This variant is not present in population databases (gnomAD no frequency). This variant has been observed in individual(s) with an individual with a family history of breast cancer who also carried a pathogenic variant in a different gene (PMID: 25154786). ClinVar contains an entry for this variant (Variation ID: 1767663). Variants that disrupt the consensus splice site are a relatively common cause of aberrant splicing (PMID: 17576681, 9536098). Algorithms developed to predict the effect of sequence changes on RNA splicing suggest that this variant may disrupt the consensus splice site. In summary, the available evidence is currently insufficient to determine the role of this variant in disease. Therefore, it has been classified as a Variant of Uncertain Significance.

Literature cited by the submitters: PubMed 25154786 (cited by Department of Clinical Genetics, Copenhagen University Hospital, Rigshospitalet and Labcorp Genetics (formerly Invitae), Labcorp); PubMed 17576681 (cited by Labcorp Genetics (formerly Invitae), Labcorp); PubMed 9536098 (cited by Labcorp Genetics (formerly Invitae), Labcorp).